The following is an entry in ClinVar:

NM_022841.7(RFX7):c.2456C>A (p.Ser819Tyr)

Gene: RFX7 (regulatory factor X7; minus strand). Cytogenetic location: 15q21.3.
Variant type: single nucleotide variant.
Coding change: c.2456C>A on transcript NM_022841.7 (MANE Select); coding-DNA position 2456, C replaced by A.
Protein change: p.Ser819Tyr; replaces serine 819 with tyrosine.
Molecular consequence: missense variant.
Genome position (GRCh38, 1-based): chr15:56,095,272, G>T on the plus strand (C>A on the coding strand, the complement: RFX7 is on the minus strand). VCF-style: chr15-56095272-G-T. GRCh37 (hg19) VCF-style: chr15-56387470-G-T.
Other names: c.2165C>A, p.Ser722Tyr (NM_001368073.2, NM_001368074.1, NM_001370554.1); c.2456C>A, p.Ser819Tyr (NM_001370561.1); short protein forms S722Y, S819Y.
Identifiers: ClinVar variation 3893622 (VCV003893622.1).

ClinVar aggregate classification (germline): Uncertain significance (1 of 4 stars; one submission).

gnomAD v4.1: 3 of 1,613,922 alleles (0.00019%); highest among the groups gnomAD compares: South Asian, 0.0011%; no homozygotes.

Submission:

GeneDx
Classification: Uncertain significance. Last evaluated: 2024-10-27. Review status: criteria provided, single submitter. Criteria: GeneDx Variant Classification Process June 2021. Collection method: clinical testing. Allele origin: germline. Affected: yes.
Comment: Not observed at significant frequency in large population cohorts (gnomAD); In silico analysis indicates that this missense variant does not alter protein structure/function; Has not been previously published as pathogenic or benign to our knowledge